The following is an entry in ClinVar:

ClinVar aggregate classification (germline): Benign/Likely benign. Review status: criteria provided, multiple submitters, no conflicts (2 of 4 stars). 7 submissions from 7 submitters: Benign (2); Likely benign (4). 1 of the submissions does not count toward it. Last evaluated 2025-11-12.

Conditions:
CACNA1E-related disorder. Also called: CACNA1E-related condition.
Developmental and epileptic encephalopathy, 69. Also called: EPILEPTIC ENCEPHALOPATHY, EARLY INFANTILE, 69. Identifiers: MedGen C4748988, MONDO:0032657, OMIM 618285.
Inborn genetic diseases. Identifiers: MedGen C0950123, MeSH D030342.

Allele frequency attached by ClinVar (database versions not stated): ExAC 0.00022; TOPMed 0.00026; gnomAD 0.00042 and 0.00045; gnomAD exomes 0.00052 and 0.00059.
gnomAD v4.1: 852 of 1,520,718 alleles (0.056%); highest among the groups gnomAD compares: Non-Finnish European, 0.064%; 1 homozygote.

Submissions (7):

Labcorp Genetics (formerly Invitae), Labcorp
Classification: Benign. Last evaluated: 2025-11-12. Review status: criteria provided, single submitter. Criteria: Invitae Variant Classification Sherloc (09022015). Collection method: clinical testing. Allele origin: germline.

CeGaT Center for Human Genetics Tuebingen
Classification: Likely benign. Last evaluated: 2025-06-01. Review status: criteria provided, single submitter. Criteria: CeGaT Center For Human Genetics Tuebingen Variant Classification Criteria Version 2. Collection method: clinical testing. Allele origin: germline. Affected: yes. Observed: 2 variant alleles.
Comment: CACNA1E: BS2

Blueprint Genetics
Classification: Likely benign. Last evaluated: 2024-11-22. Review status: criteria provided, single submitter. Criteria: ACMG Guidelines, 2015. Collection method: clinical testing. Allele origin: germline.

Genome-Nilou Lab
Classification: Likely benign for Developmental and epileptic encephalopathy, 69. Last evaluated: 2023-04-11. Review status: criteria provided, single submitter. Criteria: ACMG Guidelines, 2015. Collection method: clinical testing. Allele origin: germline. Affected: no.

Ambry Genetics
Classification: Likely benign for Inborn genetic diseases. Last evaluated: 2022-05-27. Review status: criteria provided, single submitter. Criteria: Ambry Variant Classification Scheme 2023. Collection method: clinical testing. Allele origin: germline.

GeneDx
Classification: Benign. Last evaluated: 2021-06-13. Review status: criteria provided, single submitter. Criteria: GeneDx Variant Classification Process June 2021. Collection method: clinical testing. Allele origin: germline. Affected: yes.

PreventionGenetics, part of Exact Sciences
Classification: Likely benign for CACNA1E-related condition. Last evaluated: 2022-02-25. Review status: no assertion criteria provided. Collection method: clinical testing. Allele origin: germline. Not counted in ClinVar's aggregate classification.
Comment: This variant is classified as likely benign based on ACMG/AMP sequence variant interpretation guidelines (Richards et al. 2015 PMID: 25741868, with internal and published modifications).

NM_001205293.3(CACNA1E):c.2492G>C (p.Arg831Thr)

Gene: CACNA1E (calcium voltage-gated channel subunit alpha1 E; plus strand). Cytogenetic location: 1q25.3.
Variant type: single nucleotide variant.
Coding change: c.2492G>C on transcript NM_001205293.3 (MANE Select); coding-DNA position 2492, G replaced by C.
Protein change: p.Arg831Thr; replaces arginine 831 with threonine.
Molecular consequence: missense variant.
Genome position (GRCh38, 1-based): chr1:181,732,578, G>C. VCF-style: chr1-181732578-G-C. GRCh37 (hg19) VCF-style: chr1-181701714-G-C.
Other names: c.2492G>C, p.Arg831Thr (NM_000721.4); c.2435G>C, p.Arg812Thr (NM_001205294.2); c.2492G>C (NM_001205293.1); short protein forms R812T, R831T.
Identifiers: ClinVar variation 1234203 (VCV001234203.23), dbSNP rs773503365, ClinGen allele CA1275347.